The following is an entry in ClinVar:

NM_183235.3(RAB27A):c.37T>G (p.Leu13Val)

Gene: RAB27A (RAB27A, member RAS oncogene family; minus strand). Cytogenetic location: 15q21.3.
Variant type: single nucleotide variant.
Coding change: c.37T>G on transcript NM_183235.3 (MANE Select); coding-DNA position 37, T replaced by G.
Protein change: p.Leu13Val; replaces leucine 13 with valine.
Molecular consequence: missense variant.
Genome position (GRCh38, 1-based): chr15:55,234,898, A>C on the plus strand (T>G on the coding strand, the complement: RAB27A is on the minus strand). VCF-style: chr15-55234898-A-C. GRCh37 (hg19) VCF-style: chr15-55527096-A-C.
Other names: c.37T>G, p.Leu13Val (NM_004580.5, NM_183234.3, NM_183236.3); short protein forms L13V.
Identifiers: ClinVar variation 1051397 (VCV001051397.9), dbSNP rs905779372, ClinGen allele CA270737353.
Genomic context (GRCh38, chr15:55,234,898, plus strand): 5'-TACCATCTGTATATTGGTAAAGTACACTGGTCTTCCCTACACCAGAGTCTCCCAAAGCTA[A>C]AAACTTGATGAGGTAATCATAATCTCCATCAGACATAATGAAGAACTCAGTAGTTCACCT-3'
Protein context (NP_899058.1, residues 3-23): DGDYDYLIKF[Leu13Val]ALGDSGVGKT

ClinVar aggregate classification (germline): Uncertain significance. Review status: criteria provided, multiple submitters, no conflicts (2 of 4 stars). 3 submissions from 3 submitters: Uncertain significance (3). Last evaluated 2023-12-19.

Conditions:
Inborn genetic diseases. Identifiers: MedGen C0950123, MeSH D030342.
Griscelli syndrome type 2 (GS2). Also called: GRISCELLI SYNDROME WITH HEMOPHAGOCYTIC SYNDROME; PAID SYNDROME; PARTIAL ALBINISM AND IMMUNODEFICIENCY SYNDROME. Identifiers: Orphanet 381, Orphanet 79477, MedGen C1868679, MONDO:0011872, OMIM 607624.

Allele frequency attached by ClinVar (database versions not stated): gnomAD exomes below 0.00001 and 0.00001; gnomAD 0.00002; TOPMed 0.00002.
gnomAD v4.1: 20 of 1,612,866 alleles (0.0012%); highest among the groups gnomAD compares: Admixed American, 0.0017%; no homozygotes.

Submissions (3):

Ambry Genetics
Classification: Uncertain significance for Inborn genetic diseases. Last evaluated: 2023-12-19. Review status: criteria provided, single submitter. Criteria: Ambry Variant Classification Scheme 2023. Collection method: clinical testing. Allele origin: germline.

Labcorp Genetics (formerly Invitae), Labcorp
Classification: Uncertain significance for Griscelli syndrome type 2. Last evaluated: 2023-12-11. Review status: criteria provided, single submitter. Criteria: Invitae Variant Classification Sherloc (09022015). Collection method: clinical testing. Allele origin: germline.
Comment: This sequence change replaces leucine, which is neutral and non-polar, with valine, which is neutral and non-polar, at codon 13 of the RAB27A protein (p.Leu13Val). This variant is present in population databases (no rsID available, gnomAD 0.0009%). This missense change has been observed in individual(s) with clinical features of Griscelli syndrome (Invitae). ClinVar contains an entry for this variant (Variation ID: 1051397). An algorithm developed to predict the effect of missense changes on protein structure and function (PolyPhen-2) suggests that this variant is likely to be disruptive. In summary, the available evidence is currently insufficient to determine the role of this variant in disease. Therefore, it has been classified as a Variant of Uncertain Significance.

Blueprint Genetics
Classification: Uncertain significance. Last evaluated: 2021-09-03. Review status: criteria provided, single submitter. Criteria: ACMG Guidelines, 2015. Collection method: clinical testing. Allele origin: germline.